The following is an entry in ClinVar:

NM_014014.5(SNRNP200):c.2828T>C (p.Leu943Pro)

Gene: SNRNP200 (small nuclear ribonucleoprotein U5 subunit 200; minus strand). Cytogenetic location: 2q11.2.
Variant type: single nucleotide variant.
Coding change: c.2828T>C on transcript NM_014014.5 (MANE Select); coding-DNA position 2828, T replaced by C.
Protein change: p.Leu943Pro; replaces leucine 943 with proline.
Molecular consequence: missense variant.
Genome position (GRCh38, 1-based): chr2:96,289,911, A>G on the plus strand (T>C on the coding strand, the complement: SNRNP200 is on the minus strand). VCF-style: chr2-96289911-A-G. GRCh37 (hg19) VCF-style: chr2-96955649-A-G.
Other names: short protein forms L943P.
Identifiers: ClinVar variation 2694203 (VCV002694203.3), dbSNP rs2063873872, ClinGen allele CA347675000.

ClinVar aggregate classification (germline): Uncertain significance (1 of 4 stars; one submission).

gnomAD v4.1: 2 of 1,614,146 alleles (0.00012%); highest among the groups gnomAD compares: Non-Finnish European, 0.00017%; no homozygotes.

Submission:

Labcorp Genetics (formerly Invitae), Labcorp
Classification: Uncertain significance. Last evaluated: 2023-11-07. Review status: criteria provided, single submitter. Criteria: Invitae Variant Classification Sherloc (09022015). Collection method: clinical testing. Allele origin: germline.
Comment: This sequence change replaces leucine, which is neutral and non-polar, with proline, which is neutral and non-polar, at codon 943 of the SNRNP200 protein (p.Leu943Pro). This variant is not present in population databases (gnomAD no frequency). This variant has not been reported in the literature in individuals affected with SNRNP200-related conditions. Advanced modeling of protein sequence and biophysical properties (such as structural, functional, and spatial information, amino acid conservation, physicochemical variation, residue mobility, and thermodynamic stability) performed at Invitae indicates that this missense variant is not expected to disrupt SNRNP200 protein function with a negative predictive value of 80%. In summary, the available evidence is currently insufficient to determine the role of this variant in disease. Therefore, it has been classified as a Variant of Uncertain Significance.